The following is an entry in ClinVar:

NM_004304.5(ALK):c.2006A>G (p.Asn669Ser)

Gene: ALK (ALK receptor tyrosine kinase; minus strand). Cytogenetic location: 2p23.2.
Variant type: single nucleotide variant.
Coding change: c.2006A>G on transcript NM_004304.5 (MANE Select); coding-DNA position 2006, A replaced by G.
Protein change: p.Asn669Ser; replaces asparagine 669 with serine.
Molecular consequence: missense variant.
Genome position (GRCh38, 1-based): chr2:29,275,134, T>C on the plus strand (A>G on the coding strand, the complement: ALK is on the minus strand). VCF-style: chr2-29275134-T-C. GRCh37 (hg19) VCF-style: chr2-29498000-T-C.
Other names: short protein forms N669S.
Identifiers: ClinVar variation 1485419 (VCV001485419.11), dbSNP rs149640902, ClinGen allele CA44665428.

ClinVar aggregate classification (germline): Uncertain significance. Review status: criteria provided, multiple submitters, no conflicts (2 of 4 stars). 2 submissions from 2 submitters: Uncertain significance (2). Last evaluated 2024-08-10.

Conditions:
Neuroblastoma, susceptibility to, 3. Also called: ALK-Related Neuroblastic Tumor Susceptibility. Identifiers: Orphanet 635, MedGen C2751681, MONDO:0013083, OMIM 613014.
Hereditary cancer-predisposing syndrome. Also called: Neoplastic Syndromes, Hereditary; Tumor predisposition; Hereditary neoplastic syndrome; Hereditary Cancer Syndrome. Identifiers: Orphanet 140162, MedGen C0027672, MeSH D009386, MONDO:0015356.

Allele frequency attached by ClinVar (database versions not stated): TOPMed 0.00001; ESP Exome Variant Server 0.00015.

Submissions (2):

Ambry Genetics
Classification: Uncertain significance for Hereditary cancer-predisposing syndrome. Last evaluated: 2024-08-10. Review status: criteria provided, single submitter. Criteria: Ambry Variant Classification Scheme 2023. Collection method: clinical testing. Allele origin: germline.
Comment: The p.N669S variant (also known as c.2006A>G), located in coding exon 11 of the ALK gene, results from an A to G substitution at nucleotide position 2006. The asparagine at codon 669 is replaced by serine, an amino acid with highly similar properties. This amino acid position is conserved. In addition, this alteration is predicted to be tolerated by in silico analysis. Since supporting evidence is limited at this time, the clinical significance of this alteration remains unclear.

Labcorp Genetics (formerly Invitae), Labcorp
Classification: Uncertain significance for Neuroblastoma, susceptibility to, 3. Last evaluated: 2022-03-13. Review status: criteria provided, single submitter. Criteria: Invitae Variant Classification Sherloc (09022015). Collection method: clinical testing. Allele origin: germline.
Comment: In summary, the available evidence is currently insufficient to determine the role of this variant in disease. Therefore, it has been classified as a Variant of Uncertain Significance. Algorithms developed to predict the effect of missense changes on protein structure and function output the following: SIFT: "Deleterious"; PolyPhen-2: "Benign"; Align-GVGD: "Class C0". The serine amino acid residue is found in multiple mammalian species, which suggests that this missense change does not adversely affect protein function. This variant has not been reported in the literature in individuals affected with ALK-related conditions. This variant is not present in population databases (gnomAD no frequency). This sequence change replaces asparagine, which is neutral and polar, with serine, which is neutral and polar, at codon 669 of the ALK protein (p.Asn669Ser).